The following is an entry in ClinVar:

ClinVar aggregate classification (germline): Uncertain significance. Review status: criteria provided, multiple submitters, no conflicts (2 of 4 stars). 2 submissions from 2 submitters: Uncertain significance (2). Last evaluated 2024-06-21.

Allele frequency attached by ClinVar (database versions not stated): ExAC 0.00002; gnomAD 0.00002; gnomAD exomes 0.00003; TOPMed 0.00005.

Submissions (2):

Blueprint Genetics
Classification: Uncertain significance. Last evaluated: 2024-06-21. Review status: criteria provided, single submitter. Criteria: ACMG Guidelines, 2015. Collection method: clinical testing. Allele origin: germline.

Labcorp Genetics (formerly Invitae), Labcorp
Classification: Uncertain significance. Last evaluated: 2022-08-09. Review status: criteria provided, single submitter. Criteria: Invitae Variant Classification Sherloc (09022015). Collection method: clinical testing. Allele origin: germline.
Comment: This sequence change replaces methionine, which is neutral and non-polar, with valine, which is neutral and non-polar, at codon 138 of the RDH5 protein (p.Met138Val). This variant is present in population databases (rs748274544, gnomAD 0.02%). This variant has not been reported in the literature in individuals affected with RDH5-related conditions. Algorithms developed to predict the effect of missense changes on protein structure and function output the following: SIFT: "Tolerated"; PolyPhen-2: "Benign"; Align-GVGD: "Class C0". The valine amino acid residue is found in multiple mammalian species, which suggests that this missense change does not adversely affect protein function. Algorithms developed to predict the effect of sequence changes on RNA splicing suggest that this variant may create or strengthen a splice site. In summary, the available evidence is currently insufficient to determine the role of this variant in disease. Therefore, it has been classified as a Variant of Uncertain Significance.

NM_002905.5(RDH5):c.412A>G (p.Met138Val)

Genes: BLOC1S1-RDH5 (BLOC1S1-RDH5 readthrough; plus strand), RDH5 (retinol dehydrogenase 5; plus strand). Cytogenetic location: 12q13.2.
Variant type: single nucleotide variant.
Coding change: c.412A>G on transcript NM_002905.5 (MANE Select); coding-DNA position 412, A replaced by G.
Protein change: p.Met138Val; replaces methionine 138 with valine.
Molecular consequence: missense variant. On other transcripts: non-coding transcript variant (1).
Genome position (GRCh38, 1-based): chr12:55,721,790, A>G. VCF-style: chr12-55721790-A-G. GRCh37 (hg19) VCF-style: chr12-56115574-A-G.
Other names: c.412A>G, p.Met138Val (NM_001199771.3); short protein forms M138V.
Identifiers: ClinVar variation 2161787 (VCV002161787.2), dbSNP rs748274544, ClinGen allele CA6616838.
Genomic context (GRCh38, chr12:55,721,790, plus strand): 5'-ATCGGACCCACACCATGGCTGACCCGGGACGATTTCCAGCGGGTGCTGAATGTGAACACA[A>G]TGGGTCCCATCGGGGTCACCCTTGCCCTGCTGCCTCTGCTGCAGCAAGCCCGGGGCCGGG-3'
Protein context (NP_002896.2, residues 128-148): DFQRVLNVNT[Met138Val]GPIGVTLALL